The following is an entry in ClinVar:

NM_004385.5(VCAN):c.8066C>A (p.Thr2689Lys)

Genes: VCAN (versican; plus strand), VCAN-AS1 (VCAN antisense RNA 1; minus strand). Cytogenetic location: 5q14.3.
Variant type: single nucleotide variant.
Coding change: c.8066C>A on transcript NM_004385.5 (MANE Select); coding-DNA position 8066, C replaced by A.
Protein change: p.Thr2689Lys; replaces threonine 2689 with lysine.
Molecular consequence: missense variant. On other transcripts: intron variant (2).
Genome position (GRCh38, 1-based): chr5:83,541,069, C>A. VCF-style: chr5-83541069-C-A. GRCh37 (hg19) VCF-style: chr5-82836888-C-A.
Other names: c.4004-4468C>A (NM_001164098.2); c.1043-4468C>A (NM_001126336.3); c.5105C>A, p.Thr1702Lys (NM_001164097.2); short protein forms T1702K, T2689K.
Identifiers: ClinVar variation 2808865 (VCV002808865.3), dbSNP rs182041589, ClinGen allele CA360316120.
Genomic context (GRCh38, chr5:83,541,069, plus strand): 5'-ACTTCACAACTGGGATCCCTGCTCCTAGCACAGAAACAGAATTAGACGTTTTACTTCCCA[C>A]GGCAACATCCCTGCCAATTCCTCGTAAGTCTGCCACAGTTATTCCAGAGATTGAAGGAAT-3'
Protein context (NP_004376.2, residues 2679-2699): TETELDVLLP[Thr2689Lys]ATSLPIPRKS

ClinVar aggregate classification (germline): Uncertain significance (1 of 4 stars; one submission).

Submission:

Labcorp Genetics (formerly Invitae), Labcorp
Classification: Uncertain significance. Last evaluated: 2024-01-02. Review status: criteria provided, single submitter. Criteria: Invitae Variant Classification Sherloc (09022015). Collection method: clinical testing. Allele origin: germline.
Comment: This sequence change replaces threonine, which is neutral and polar, with lysine, which is basic and polar, at codon 2689 of the VCAN protein (p.Thr2689Lys). This variant is not present in population databases (gnomAD no frequency). This variant has not been reported in the literature in individuals affected with VCAN-related conditions. An algorithm developed to predict the effect of missense changes on protein structure and function (PolyPhen-2) suggests that this variant is likely to be disruptive. In summary, the available evidence is currently insufficient to determine the role of this variant in disease. Therefore, it has been classified as a Variant of Uncertain Significance.